The following is an entry in ClinVar:

ClinVar aggregate classification (germline): Likely benign. Review status: criteria provided, multiple submitters, no conflicts (2 of 4 stars). 2 submissions from 2 submitters: Likely benign (2). Last evaluated 2025-10-10.

Conditions:
Intellectual developmental disorder, autosomal dominant 6, with or without seizures. Also called: Intellectual disability, autosomal dominant 6; GRIN2B-related developmental delay, intellectual disability and autism spectrum disorder. Identifiers: Orphanet 589547, MedGen C3151411, MONDO:0013509, OMIM 613970.
Developmental and epileptic encephalopathy, 27 (DEE27). Also called: GRIN2B-Related Neurodevelopmental Disorder; Epileptic encephalopathy, early infantile, 27. Identifiers: Orphanet 3451, MedGen C4015316, MONDO:0014505, OMIM 616139.

Allele frequency attached by ClinVar (database versions not stated): gnomAD exomes 0.00006 and 0.00001; gnomAD 0.00001; ESP Exome Variant Server 0.00008; TOPMed 0.00003; ExAC 0.00004.
gnomAD v4.1: 22 of 1,612,882 alleles (0.0014%); highest among the groups gnomAD compares: Admixed American, 0.023%; no homozygotes.

Submissions (2):

Labcorp Genetics (formerly Invitae), Labcorp
Classification: Likely benign for Developmental and epileptic encephalopathy, 27; Intellectual developmental disorder, autosomal dominant 6, with or without seizures. Last evaluated: 2025-10-10. Review status: criteria provided, single submitter. Criteria: Invitae Variant Classification Sherloc (09022015). Collection method: clinical testing. Allele origin: germline.

GeneDx
Classification: Likely benign. Last evaluated: 2016-06-29. Review status: criteria provided, single submitter. Criteria: GeneDx Variant Classification (06012015). Collection method: clinical testing. Allele origin: germline. Affected: yes.
Comment: This variant is considered likely benign or benign based on one or more of the following criteria: it is a conservative change, it occurs at a poorly conserved position in the protein, it is predicted to be benign by multiple in silico algorithms, and/or has population frequency not consistent with disease.

NM_000834.5(GRIN2B):c.1501-19C>T

Gene: GRIN2B (glutamate ionotropic receptor NMDA type subunit 2B; minus strand). Cytogenetic location: 12p13.1.
Variant type: single nucleotide variant.
Coding change: c.1501-19C>T on transcript NM_000834.5 (MANE Select); 19 bases into the intron before coding-DNA position 1501, C replaced by T.
Molecular consequence: intron variant.
Genome position (GRCh38, 1-based): chr12:13,615,286, G>A on the plus strand (C>T on the coding strand, the complement: GRIN2B is on the minus strand). VCF-style: chr12-13615286-G-A. GRCh37 (hg19) VCF-style: chr12-13768220-G-A.
Identifiers: ClinVar variation 377944 (VCV000377944.9), dbSNP rs377609698, ClinGen allele CA6461227.